The following is an entry in ClinVar:

NM_032447.5(FBN3):c.167+1G>T

Gene: FBN3 (fibrillin 3; minus strand). Cytogenetic location: 19p13.2.
Variant type: single nucleotide variant.
Coding change: c.167+1G>T on transcript NM_032447.5 (MANE Select); the canonical splice donor site of the intron after coding-DNA position 167, G replaced by T.
Molecular consequence: splice donor variant.
Genome position (GRCh38, 1-based): chr19:8,147,313, C>A on the plus strand (G>T on the coding strand, the complement: FBN3 is on the minus strand). VCF-style: chr19-8147313-C-A. GRCh37 (hg19) VCF-style: chr19-8212197-C-A.
Other names: c.167+1G>T (NM_001321431.2).
Identifiers: ClinVar variation 2978238 (VCV002978238.3), dbSNP rs189232186, ClinGen allele CA304962042.
Genomic context (GRCh38, chr19:8,147,313, plus strand): 5'-TGGCCCCAGGACAGCCCAATCCACACCGAAGGGGTCTCCCAGCATCCCAGGTACCACGCA[C>A]CCCTGCAAGATGCCTGGGCTGCCCCGCCTCCGCACACGTCCAGGACCTGCAGCCTCCAAG-3'

ClinVar aggregate classification (germline): Uncertain significance (1 of 4 stars; one submission).

Allele frequency attached by ClinVar (database versions not stated): 1000 Genomes Project 0.00020; gnomAD exomes below 0.00001; TOPMed 0.00001; gnomAD 0.00002; 1000 Genomes Project 30x 0.00016.

Submission:

Labcorp Genetics (formerly Invitae), Labcorp
Classification: Uncertain significance. Last evaluated: 2025-05-14. Review status: criteria provided, single submitter. Criteria: Invitae Variant Classification Sherloc (09022015). Collection method: clinical testing. Allele origin: germline.
Comment: This sequence change affects a donor splice site in intron 2 of the FBN3 gene. It is expected to disrupt RNA splicing. Variants that disrupt the donor or acceptor splice site typically lead to a loss of protein function (PMID: 16199547), however the current clinical and genetic evidence is not sufficient to establish whether loss-of-function variants in FBN3 cause disease. This variant is not present in population databases (gnomAD no frequency). This variant has not been reported in the literature in individuals affected with FBN3-related conditions. ClinVar contains an entry for this variant (Variation ID: 2978238). Algorithms developed to predict the effect of sequence changes on RNA splicing suggest that this variant may disrupt the consensus splice site. In summary, the available evidence is currently insufficient to determine the role of this variant in disease. Therefore, it has been classified as a Variant of Uncertain Significance.

Literature cited by the submitters: PubMed 16199547.